The following is an entry in ClinVar:

ClinVar aggregate classification (germline): Uncertain significance (1 of 4 stars; one submission).

Submission:

Women's Health and Genetics/Laboratory Corporation of America, LabCorp
Classification: Uncertain significance. Last evaluated: 2026-03-02. Review status: criteria provided, single submitter. Criteria: LabCorp Variant Classification Summary - May 2015. Collection method: clinical testing. Allele origin: germline.
Comment: Variant summary: The variant involves the duplication of exons 25-27 (legacy exons 22-24) in the CFTR gene. A presumed nomenclature of c.(3963+1_3964-1)_(*1558_?)dup has been designated for the purposes of this classification. The exact breakpoint at the 3' end of this variant is unknown, therefore this duplication may extend downstream of the annotated region of the gene. As it duplicates the termination codon, its effect on the encoded protein is unknown. The variant was absent in 21694 control chromosomes. The available data on variant occurrences in the general population are insufficient to allow any conclusion about variant significance. A similar copy number variant has been observed in at least one individual identified through a cystic fibrosis newborn screening program; however, no further clinical or genotype information (i.e. zygosity) were provided (example: Sicko_2021). This report does not provide unequivocal conclusions about association of the variant with Cystic Fibrosis. To our knowledge, no experimental evidence demonstrating an impact on protein function has been reported. The following publication has been ascertained in the context of this evaluation (PMID: 34842611). ClinVar contains an entry for this variant (Variation ID: 2423160). Based on the evidence outlined above, the variant was classified as uncertain significance.

Literature cited by the submitters: PubMed 34842611.

NC_000007.13:g.(117292986_117304741)_(117308720_?)dup

Gene: CFTR (CF transmembrane conductance regulator; plus strand). Cytogenetic location: 7q31.2.
Variant type: Duplication.
Identifiers: ClinVar variation 2581179 (VCV002581179.4).